The following is an entry in ClinVar:

NM_000660.7(TGFB1):c.56T>C (p.Leu19Pro)

Gene: TGFB1 (transforming growth factor beta 1; minus strand). Cytogenetic location: 19q13.2.
Variant type: single nucleotide variant.
Coding change: c.56T>C on transcript NM_000660.7 (MANE Select); coding-DNA position 56, T replaced by C.
Protein change: p.Leu19Pro; replaces leucine 19 with proline.
Molecular consequence: missense variant.
Genome position (GRCh38, 1-based): chr19:41,352,989, A>G on the plus strand (T>C on the coding strand, the complement: TGFB1 is on the minus strand). VCF-style: chr19-41352989-A-G. GRCh37 (hg19) VCF-style: chr19-41858894-A-G.
Other names: short protein forms L19P.
Identifiers: ClinVar variation 2877583 (VCV002877583.3), dbSNP rs925223339, ClinGen allele CA308518726.

ClinVar aggregate classification (germline): Uncertain significance (1 of 4 stars; one submission).

Allele frequency attached by ClinVar (database versions not stated): gnomAD 0.00003; TOPMed 0.00002.

Submission:

Labcorp Genetics (formerly Invitae), Labcorp
Classification: Uncertain significance. Last evaluated: 2025-08-06. Review status: criteria provided, single submitter. Criteria: Invitae Variant Classification Sherloc (09022015). Collection method: clinical testing. Allele origin: germline.
Comment: This sequence change replaces leucine, which is neutral and non-polar, with proline, which is neutral and non-polar, at codon 19 of the TGFB1 protein (p.Leu19Pro). This variant is present in population databases (no rsID available, gnomAD 0.007%). This variant has not been reported in the literature in individuals affected with TGFB1-related conditions. ClinVar contains an entry for this variant (Variation ID: 2877583). Experimental studies and prediction algorithms are not available or were not evaluated, and the functional significance of this variant is currently unknown. In summary, the available evidence is currently insufficient to determine the role of this variant in disease. Therefore, it has been classified as a Variant of Uncertain Significance.